The following is an entry in ClinVar:

ClinVar aggregate classification (germline): Pathogenic (0 of 4 stars; one submission).

Conditions:
KRIT1-related disorder. Also called: KRIT1-related disorders; KRIT1-related condition.

Submission:

PreventionGenetics, part of Exact Sciences
Classification: Pathogenic for KRIT1-related condition. Last evaluated: 2024-02-01. Review status: no assertion criteria provided. Collection method: clinical testing. Allele origin: germline.
Comment: The KRIT1 c.1593_1594delCT variant is predicted to result in premature protein termination (p.Phe532*). To our knowledge, this variant has not been reported in the literature or in a large population database, indicating this variant is rare. Nonsense variants in KRIT1 are expected to be pathogenic. This variant is interpreted as pathogenic.

NM_194454.3(KRIT1):c.1593_1594del (p.Leu531_Phe532insTer)

Gene: KRIT1 (KRIT1 ankyrin repeat containing; minus strand). Cytogenetic location: 7q21.2.
Variant type: Microsatellite.
Coding change: c.1593_1594del on transcript NM_194454.3 (MANE Select); coding-DNA positions 1593 to 1594, 2 bases deleted (CT; older notation c.1593_1594delCT).
Protein change: p.Leu531_Phe532insTer.
Molecular consequence: frameshift variant.
Genome position (GRCh38, 1-based): chr7:92,214,747-92,214,748, AG deleted on the plus strand (CT on the coding strand, the reverse complement: KRIT1 is on the minus strand); deleting any 2 consecutive bases within chr7:92,214,747-92,214,751 gives the same sequence; the c. name uses the placement nearest the transcript's 3' end. VCF-style (leftmost placement, unchanged base first): chr7-92214746-AAG-A. GRCh37 (hg19) VCF-style: chr7-91844060-AAG-A.
Other names: c.1449_1450del, p.Leu483_Phe484insTer (NM_001013406.2, NM_001350669.1, NM_001350670.1); c.879_880del, p.Leu293_Phe294insTer (NM_001350671.1); c.1593_1594del, p.Leu531_Phe532insTer (NM_001350672.1, NM_001350673.1, NM_001350674.1 and 26 more transcripts); c.1593_1594delCT (NM_194456.1).
Identifiers: ClinVar variation 3061449 (VCV003061449.2), dbSNP rs2535727004, ClinGen allele CA2740097392.
Genomic context (GRCh38, chr7:92,214,746, plus strand): 5'-ATCAGCTTAGCATCAGGAGCTGTATAAAAGCCCTTCAATAAATTATATCTGGCTTCATCA[AAG>A]AGAATAAGAATAGCTAGTGGGTCTTCAATCTTAAAGGAAAAAGTATAATTTGGTTATTAG-3'